The following is an entry in ClinVar:

NM_007294.4(BRCA1):c.5228del (p.Gly1743fs)

Gene: BRCA1 (BRCA1 DNA repair associated; minus strand). Cytogenetic location: 17q21.31.
Variant type: Deletion.
Coding change: c.5228del on transcript NM_007294.4 (MANE Select); coding-DNA position 5228, one base deleted (G; older notation c.5228delG).
Protein change: p.Gly1743fs; shifts the reading frame from glycine 1743.
Molecular consequence: frameshift variant. On other transcripts: non-coding transcript variant (1).
Genome position (GRCh38, 1-based): chr17:43,057,101, C deleted on the plus strand (G on the coding strand, the reverse complement: BRCA1 is on the minus strand); the first of 2 consecutive C bases (chr17:43,057,101-43,057,102); deleting either gives the same sequence. VCF-style (leftmost placement, unchanged base first): chr17-43057100-TC-T. GRCh37 (hg19) VCF-style: chr17-41209117-TC-T.
Other names: c.5014delG, p.Gly1672Glufs (NM_001407571.1, NM_001407894.1, NM_001407895.1 and 12 more transcripts); c.5293delG, p.Gly1765Glufs (NM_001407581.1, NM_001407582.1); c.5290delG, p.Gly1764Glufs (NM_001407583.1, NM_001407585.1, NM_001407587.1); c.5287delG, p.Gly1763Glufs (NM_001407590.1, NM_001407591.1); c.5227delG, p.Gly1743Glufs (NM_001407593.1, NM_001407594.1, NM_001407596.1 and 8 more transcripts); c.5224delG, p.Gly1742Glufs (NM_001407610.1, NM_001407611.1, NM_001407612.1 and 17 more transcripts); c.5221delG, p.Gly1741Glufs (NM_001407627.1, NM_001407628.1, NM_001407629.1 and 14 more transcripts); c.5218delG, p.Gly1740Glufs (NM_001407644.1, NM_001407645.1); and 75 more; short protein forms G1696fs, G1743fs, G1764fs, G639fs.
Identifiers: ClinVar variation 1330011 (VCV001330011.2), dbSNP rs1567764473, ClinGen allele CA919844325.

ClinVar aggregate classification (germline): Pathogenic (1 of 4 stars; one submission).

Submission:

Quest Diagnostics Nichols Institute San Juan Capistrano
Classification: Pathogenic. Last evaluated: 2020-10-09. Review status: criteria provided, single submitter. Criteria: Quest Diagnostics criteria. Collection method: clinical testing. Allele origin: unknown.
Comment: This frameshift variant alters the translational reading frame of the BRCA1 mRNA and causes the premature termination of BRCA1 protein synthesis. This variant has been reported in an individual affected with ovarian cancer in the published literature (PMID: 28692638 (2017)). This variant has not been reported in large, multi-ethnic general populations. Based on the available information, the variant is classified as pathogenic.

Literature cited by the submitters: PubMed 30702160; PubMed 28692638; PubMed 31825140.